The following is an entry in ClinVar:

ClinVar aggregate classification (germline): Conflicting classifications of pathogenicity. Review status: criteria provided, conflicting classifications (1 of 4 stars). 2 submissions from 2 submitters: Uncertain significance (1); Likely benign (1). Last evaluated 2024-11-09.

Conditions:
PROC-related disorder. Also called: PROC-related condition.

gnomAD v4.1: 519 of 1,289,782 alleles (0.04%); highest among the groups gnomAD compares: African/African-American, 0.53%; 3 homozygotes.

Submissions (2):

PreventionGenetics, part of Exact Sciences
Classification: Likely benign for PROC-related condition. Last evaluated: 2024-11-09. Review status: criteria provided, single submitter. Criteria: ACMG Guidelines, 2015. Collection method: clinical testing. Allele origin: germline.
Comment: This variant is classified as likely benign based on ACMG/AMP sequence variant interpretation guidelines (Richards et al. 2015 PMID: 25741868, with internal and published modifications).

Blueprint Genetics
Classification: Uncertain significance. Last evaluated: 2024-03-05. Review status: criteria provided, single submitter. Criteria: ACMG Guidelines, 2015. Collection method: clinical testing. Allele origin: germline.

NM_000312.4(PROC):c.-52C>T

Gene: PROC (protein C, inactivator of coagulation factors Va and VIIIa; plus strand). Cytogenetic location: 2q14.3.
Variant type: single nucleotide variant.
Coding change: c.-52C>T on transcript NM_000312.4 (MANE Select); 52 bases upstream of the start codon, C replaced by T.
Molecular consequence: 5 prime UTR variant. On other transcripts: nonsense (6).
Genome position (GRCh38, 1-based): chr2:127,418,462, C>T. VCF-style: chr2-127418462-C-T. GRCh37 (hg19) VCF-style: chr2-128176038-C-T.
Other names: c.16C>T, p.Arg6Ter (NM_001375602.1, NM_001375603.1, NM_001375604.1 and 3 more transcripts); c.-52C>T (NM_001375605.1, NM_001375608.1, NM_001375610.1); c.-68C>T (NM_001375611.1); short protein forms R6*.
Identifiers: ClinVar variation 4956709 (VCV004956709.2).